The following is an entry in ClinVar:

NM_177438.3(DICER1):c.3478T>A (p.Ser1160Thr)

Gene: DICER1 (dicer 1, ribonuclease III; minus strand). Cytogenetic location: 14q32.13.
Variant type: single nucleotide variant.
Coding change: c.3478T>A on transcript NM_177438.3 (MANE Select); coding-DNA position 3478, T replaced by A.
Protein change: p.Ser1160Thr; replaces serine 1160 with threonine.
Molecular consequence: missense variant. On other transcripts: non-coding transcript variant (6).
Genome position (GRCh38, 1-based): chr14:95,103,918, A>T on the plus strand (T>A on the coding strand, the complement: DICER1 is on the minus strand). VCF-style: chr14-95103918-A-T. GRCh37 (hg19) VCF-style: chr14-95570255-A-T.
Other names: c.3478T>A, p.Ser1160Thr (NM_001195573.1, NM_001271282.3, NM_001291628.2 and 13 more transcripts); c.3196T>A, p.Ser1066Thr (NM_001395686.1); c.3073T>A, p.Ser1025Thr (NM_001395687.1, NM_001395688.1, NM_001395689.1 and 2 more transcripts); c.2911T>A, p.Ser971Thr (NM_001395691.1); c.1795T>A, p.Ser599Thr (NM_001395697.1); short protein forms S1025T, S599T, S971T, S1066T, S1160T.
Identifiers: ClinVar variation 1731806 (VCV001731806.3), dbSNP rs1354557070, ClinGen allele CA390875259.
Genomic context (GRCh38, chr14:95,103,918, plus strand): 5'-AAGAAAGACCATTAATTGCTGTAAGATCTGCTGAAACTTCAACGTGGAGCTTACCAGGGG[A>T]CTCGCTGAGCAACGTTCTGCAGTTCACAGACATTTGGTCATGATTTTCTAGAGAGGAGGT-3'
Protein context (NP_803187.1, residues 1150-1170): SVNCRTLLSE[Ser1160Thr]PGKLHVEVSA

ClinVar aggregate classification (germline): Uncertain significance (1 of 4 stars; one submission).

Conditions:
Hereditary cancer-predisposing syndrome. Also called: Neoplastic Syndromes, Hereditary; Tumor predisposition; Hereditary Cancer Syndrome; Hereditary neoplastic syndrome. Identifiers: Orphanet 140162, MedGen C0027672, MeSH D009386, MONDO:0015356.

Allele frequency attached by ClinVar (database versions not stated): TOPMed below 0.00001.

Submission:

Ambry Genetics
Classification: Uncertain significance for Hereditary cancer-predisposing syndrome. Last evaluated: 2025-05-16. Review status: criteria provided, single submitter. Criteria: Ambry Variant Classification Scheme 2023. Collection method: clinical testing. Allele origin: germline.
Comment: The p.S1160T variant (also known as c.3478T>A), located in coding exon 20 of the DICER1 gene, results from a T to A substitution at nucleotide position 3478. The serine at codon 1160 is replaced by threonine, an amino acid with similar properties. This amino acid position is not well conserved in available vertebrate species. In addition, this alteration is predicted to be tolerated by in silico analysis. Based on the available evidence, the clinical significance of this variant remains unclear.